The following is an entry in ClinVar:

ClinVar aggregate classification (germline): Uncertain significance (1 of 4 stars; one submission).

Conditions:
Hereditary cancer-predisposing syndrome. Also called: Neoplastic Syndromes, Hereditary; Tumor predisposition; Hereditary neoplastic syndrome; Hereditary Cancer Syndrome. Identifiers: Orphanet 140162, MedGen C0027672, MeSH D009386, MONDO:0015356.

Submission:

Ambry Genetics
Classification: Uncertain significance for Hereditary cancer-predisposing syndrome. Last evaluated: 2026-07-20. Review status: criteria provided, single submitter. Criteria: Ambry Variant Classification Scheme 2023. Collection method: clinical testing. Allele origin: germline.
Comment: The p.P1145R variant (also known as c.3434C>G), located in coding exon 21 of the TSC1 gene, results from a C to G substitution at nucleotide position 3434. The proline at codon 1145 is replaced by arginine, an amino acid with dissimilar properties. This amino acid position is conserved. In addition, this alteration is predicted to be tolerated by in silico analysis. Based on the available evidence, the clinical significance of this variant remains unclear.

NM_000368.5(TSC1):c.3434C>G (p.Pro1145Arg)

Gene: TSC1 (TSC complex subunit 1; minus strand). Cytogenetic location: 9q34.13.
Variant type: single nucleotide variant.
Coding change: c.3434C>G on transcript NM_000368.5 (MANE Select); coding-DNA position 3434, C replaced by G.
Protein change: p.Pro1145Arg; replaces proline 1145 with arginine.
Molecular consequence: missense variant. On other transcripts: non-coding transcript variant (5).
Genome position (GRCh38, 1-based): chr9:132,896,296, G>C on the plus strand (C>G on the coding strand, the complement: TSC1 is on the minus strand). VCF-style: chr9-132896296-G-C. GRCh37 (hg19) VCF-style: chr9-135771683-G-C.
Other names: c.3431C>G, p.Pro1144Arg (NM_001406598.1, NM_001406599.1, NM_001406600.1 and 2 more transcripts); c.3419C>G, p.Pro1140Arg (NM_001406601.1, NM_001406602.1); c.3416C>G, p.Pro1139Arg (NM_001406603.1, NM_001406604.1); c.3392C>G, p.Pro1131Arg (NM_001406605.1, NM_001406606.1, NM_001406607.1); c.3389C>G, p.Pro1130Arg (NM_001406608.1, NM_001406609.1); c.3281C>G, p.Pro1094Arg (NM_001406610.1, NM_001162427.2); c.3278C>G, p.Pro1093Arg (NM_001406611.1, NM_001406612.1); c.3236C>G, p.Pro1079Arg (NM_001406613.1); and 8 more; short protein forms P1023R, P1130R, P1139R, P1009R, P1024R, P1079R, P1094R, P1131R.
Identifiers: ClinVar variation 5031239 (VCV005031239.1).